The following is an entry in ClinVar:

NM_005857.5(ZMPSTE24):c.30G>T (p.Leu10Phe)

Genes: ZMPSTE24 (zinc metallopeptidase STE24; plus strand), LOC129930253 (ATAC-STARR-seq lymphoblastoid active region 836; plus strand). Cytogenetic location: 1p34.2.
Variant type: single nucleotide variant.
Coding change: c.30G>T on transcript NM_005857.5 (MANE Select); coding-DNA position 30, G replaced by T.
Protein change: p.Leu10Phe; replaces leucine 10 with phenylalanine.
Molecular consequence: missense variant.
Genome position (GRCh38, 1-based): chr1:40,258,301, G>T. VCF-style: chr1-40258301-G-T. GRCh37 (hg19) VCF-style: chr1-40723973-G-T.
Other names: short protein forms L10F.
Identifiers: ClinVar variation 297259 (VCV000297259.9), dbSNP rs1057515519, ClinGen allele CA10610160.

ClinVar aggregate classification (germline): Uncertain significance. Review status: criteria provided, multiple submitters, no conflicts (2 of 4 stars). 3 submissions from 2 submitters: Uncertain significance (3). Last evaluated 2022-03-23.

Conditions:
Lethal tight skin contracture syndrome. Also called: Restrictive dermopathy; RESTRICTIVE DERMOPATHY, LETHAL; FETAL HYPOKINESIA SEQUENCE DUE TO RESTRICTIVE DERMOPATHY; HYPERKERATOSIS-CONTRACTURE SYNDROME. Identifiers: Orphanet 1662, MedGen C0406585, MONDO:0031213.
Mandibuloacral dysplasia with type B lipodystrophy (MADB). Also called: LIPODYSTROPHY, TYPE B, ASSOCIATED WITH MANDIBULOACRAL DYSPLASIA. Identifiers: Orphanet 2457, Orphanet 90154, MedGen C1837756, MONDO:0012074, OMIM 608612.

Allele frequency attached by ClinVar (database versions not stated): gnomAD exomes below 0.00001.
gnomAD v4.1: 4 of 1,614,160 alleles (0.00025%); highest among the groups gnomAD compares: Non-Finnish European, 0.00025%; no homozygotes.

Submissions (3):

Labcorp Genetics (formerly Invitae), Labcorp
Classification: Uncertain significance. Last evaluated: 2022-03-23. Review status: criteria provided, single submitter. Criteria: Invitae Variant Classification Sherloc (09022015). Collection method: clinical testing. Allele origin: germline.
Comment: In summary, the available evidence is currently insufficient to determine the role of this variant in disease. Therefore, it has been classified as a Variant of Uncertain Significance. Algorithms developed to predict the effect of missense changes on protein structure and function are either unavailable or do not agree on the potential impact of this missense change (SIFT: "Not Available"; PolyPhen-2: "Benign"; Align-GVGD: "Not Available"). ClinVar contains an entry for this variant (Variation ID: 297259). This variant has not been reported in the literature in individuals affected with ZMPSTE24-related conditions. This variant is not present in population databases (gnomAD no frequency). This sequence change replaces leucine, which is neutral and non-polar, with phenylalanine, which is neutral and non-polar, at codon 10 of the ZMPSTE24 protein (p.Leu10Phe).

Illumina Laboratory Services, Illumina
Classification: Uncertain significance for Restrictive dermopathy 1. Last evaluated: 2018-01-13. Review status: criteria provided, single submitter. Criteria: ICSL Variant Classification Criteria 13 December 2019. Collection method: clinical testing. Allele origin: germline.

Illumina Laboratory Services, Illumina
Classification: Uncertain significance for Mandibuloacral dysplasia with type B lipodystrophy. Last evaluated: 2018-01-13. Review status: criteria provided, single submitter. Criteria: ICSL Variant Classification Criteria 13 December 2019. Collection method: clinical testing. Allele origin: germline.